The following is an entry in ClinVar:

ClinVar aggregate classification (germline): Benign. Review status: criteria provided, single submitter (1 of 4 stars). 2 submissions from 2 submitters: Benign (1). 1 of the submissions does not count toward it. Last evaluated 2022-04-22.

Conditions:
Rubinstein-Taybi syndrome due to EP300 haploinsufficiency. Also called: EP300-Related Rubinstein-Taybi Syndrome; RUBINSTEIN-TAYBI SYNDROME 2. Identifiers: Orphanet 353284, Orphanet 783, MedGen C3150941, MONDO:0013364, OMIM 613684.
EP300-related disorder. Also called: EP300-related condition; EP300-related disorders.

Allele frequency attached by ClinVar (database versions not stated): gnomAD exomes below 0.00001; TOPMed below 0.00001.
gnomAD v4.1: 4 of 1,614,204 alleles (0.00025%); highest among the groups gnomAD compares: Admixed American, 0.005%; no homozygotes.

Submissions (2):

Labcorp Genetics (formerly Invitae), Labcorp
Classification: Benign for Rubinstein-Taybi syndrome due to EP300 haploinsufficiency. Last evaluated: 2022-04-22. Review status: criteria provided, single submitter. Criteria: Invitae Variant Classification Sherloc (09022015). Collection method: clinical testing. Allele origin: germline.

PreventionGenetics, part of Exact Sciences
Classification: Likely benign for EP300-related condition. Last evaluated: 2024-04-17. Review status: no assertion criteria provided. Collection method: clinical testing. Allele origin: germline. Not counted in ClinVar's aggregate classification.
Comment: This variant is classified as likely benign based on ACMG/AMP sequence variant interpretation guidelines (Richards et al. 2015 PMID: 25741868, with internal and published modifications).

NM_001429.4(EP300):c.3984T>C (p.Ala1328=)

Gene: EP300 (EP300 lysine acetyltransferase; plus strand). Cytogenetic location: 22q13.2.
Variant type: single nucleotide variant.
Coding change: c.3984T>C on transcript NM_001429.4 (MANE Select); coding-DNA position 3984, T replaced by C.
Protein change: p.Ala1328=; no amino-acid change (alanine 1328 retained).
Molecular consequence: synonymous variant.
Genome position (GRCh38, 1-based): chr22:41,168,558, T>C. VCF-style: chr22-41168558-T-C. GRCh37 (hg19) VCF-style: chr22-41564562-T-C.
Other names: c.3984T>C (NM_001429.3); c.3906T>C, p.Ala1302= (NM_001362843.2).
Identifiers: ClinVar variation 1926358 (VCV001926358.6), dbSNP rs1308482912, ClinGen allele CA514793497.